The following is an entry in ClinVar:

NM_001440.4(EXTL3):c.206T>C (p.Val69Ala)

Gene: EXTL3 (exostosin like glycosyltransferase 3; plus strand). Cytogenetic location: 8p21.1.
Variant type: single nucleotide variant.
Coding change: c.206T>C on transcript NM_001440.4 (MANE Select); coding-DNA position 206, T replaced by C.
Protein change: p.Val69Ala; replaces valine 69 with alanine.
Molecular consequence: missense variant.
Genome position (GRCh38, 1-based): chr8:28,716,265, T>C. VCF-style: chr8-28716265-T-C. GRCh37 (hg19) VCF-style: chr8-28573782-T-C.
Other names: c.206T>C (NM_001440.2); short protein forms V69A.
Identifiers: ClinVar variation 2186103 (VCV002186103.3), dbSNP rs746203687, ClinGen allele CA4695953.

ClinVar aggregate classification (germline): Conflicting classifications of pathogenicity. Review status: criteria provided, conflicting classifications (1 of 4 stars). 2 submissions from 2 submitters: Uncertain significance (1); Likely benign (1). Last evaluated 2025-04-14.

Conditions:
Inborn genetic diseases. Identifiers: MedGen C0950123, MeSH D030342.

Allele frequency attached by ClinVar (database versions not stated): gnomAD exomes below 0.00001; ExAC 0.00001; gnomAD 0.00001; TOPMed 0.00003.
gnomAD v4.1: 4 of 1,613,906 alleles (0.00025%); highest among the groups gnomAD compares: African/African-American, 0.0053%; no homozygotes.

Submissions (2):

Ambry Genetics
Classification: Likely benign for Inborn genetic diseases. Last evaluated: 2025-04-14. Review status: criteria provided, single submitter. Criteria: Ambry Variant Classification Scheme 2023. Collection method: clinical testing. Allele origin: germline.

Labcorp Genetics (formerly Invitae), Labcorp
Classification: Uncertain significance. Last evaluated: 2022-05-29. Review status: criteria provided, single submitter. Criteria: Invitae Variant Classification Sherloc (09022015). Collection method: clinical testing. Allele origin: germline.
Comment: This variant is present in population databases (rs746203687, gnomAD 0.01%). In summary, the available evidence is currently insufficient to determine the role of this variant in disease. Therefore, it has been classified as a Variant of Uncertain Significance. Algorithms developed to predict the effect of missense changes on protein structure and function output the following: SIFT: "Tolerated"; PolyPhen-2: "Benign"; Align-GVGD: "Class C0". The alanine amino acid residue is found in multiple mammalian species, which suggests that this missense change does not adversely affect protein function. This variant has not been reported in the literature in individuals affected with EXTL3-related conditions. This sequence change replaces valine, which is neutral and non-polar, with alanine, which is neutral and non-polar, at codon 69 of the EXTL3 protein (p.Val69Ala).